The following is an entry in ClinVar:

NM_004329.3(BMPR1A):c.695A>G (p.Lys232Arg)

Gene: BMPR1A (bone morphogenetic protein receptor type 1A; plus strand). Cytogenetic location: 10q23.2.
Variant type: single nucleotide variant.
Coding change: c.695A>G on transcript NM_004329.3 (MANE Select); coding-DNA position 695, A replaced by G.
Protein change: p.Lys232Arg; replaces lysine 232 with arginine.
Molecular consequence: missense variant.
Genome position (GRCh38, 1-based): chr10:86,917,153, A>G. VCF-style: chr10-86917153-A-G. GRCh37 (hg19) VCF-style: chr10-88676910-A-G.
Other names: short protein forms K232R.
Identifiers: ClinVar variation 140883 (VCV000140883.12), dbSNP rs587781341, ClinGen allele CA163820.

ClinVar aggregate classification (germline): Uncertain significance. Review status: criteria provided, multiple submitters, no conflicts (2 of 4 stars). 2 submissions from 2 submitters: Uncertain significance (2). Last evaluated 2024-02-02.

Conditions:
Juvenile polyposis syndrome (JPS). Identifiers: Orphanet 2929, MedGen C0345893, MONDO:0017380, OMIM 174900.
Hereditary cancer-predisposing syndrome. Also called: Neoplastic Syndromes, Hereditary; Hereditary Cancer Syndrome; Hereditary neoplastic syndrome; Tumor predisposition. Identifiers: Orphanet 140162, MedGen C0027672, MeSH D009386, MONDO:0015356.

Allele frequency attached by ClinVar (database versions not stated): gnomAD exomes below 0.00001.
gnomAD v4.1: 2 of 1,614,050 alleles (0.00012%); highest among the groups gnomAD compares: South Asian, 0.0011%; no homozygotes.

Submissions (2):

Ambry Genetics
Classification: Uncertain significance for Hereditary cancer-predisposing syndrome. Last evaluated: 2024-02-02. Review status: criteria provided, single submitter. Criteria: Ambry Variant Classification Scheme 2023. Collection method: clinical testing. Allele origin: germline.
Comment: The p.K232R variant (also known as c.695A>G), located in coding exon 7 of the BMPR1A gene, results from an A to G substitution at nucleotide position 695. The lysine at codon 232 is replaced by arginine, an amino acid with highly similar properties. This amino acid position is highly conserved in available vertebrate species. In addition, the in silico prediction for this alteration is inconclusive. Based on the available evidence, the clinical significance of this alteration remains unclear.

Labcorp Genetics (formerly Invitae), Labcorp
Classification: Uncertain significance for Juvenile polyposis syndrome. Last evaluated: 2022-08-09. Review status: criteria provided, single submitter. Criteria: Invitae Variant Classification Sherloc (09022015). Collection method: clinical testing. Allele origin: germline.
Comment: In summary, the available evidence is currently insufficient to determine the role of this variant in disease. Therefore, it has been classified as a Variant of Uncertain Significance. Advanced modeling of protein sequence and biophysical properties (such as structural, functional, and spatial information, amino acid conservation, physicochemical variation, residue mobility, and thermodynamic stability) performed at Invitae indicates that this missense variant is not expected to disrupt BMPR1A protein function. ClinVar contains an entry for this variant (Variation ID: 140883). This variant has not been reported in the literature in individuals affected with BMPR1A-related conditions. This variant is present in population databases (rs587781341, gnomAD 0.003%). This sequence change replaces lysine, which is basic and polar, with arginine, which is basic and polar, at codon 232 of the BMPR1A protein (p.Lys232Arg).